The following is an entry in ClinVar:

ClinVar aggregate classification (germline): Benign/Likely benign. Review status: criteria provided, multiple submitters, no conflicts (2 of 4 stars). 2 submissions from 2 submitters: Benign (1); Likely benign (1). Last evaluated 2025-01-27.

Conditions:
Familial cancer of breast. Also called: BREAST CANCER, FAMILIAL; Hereditary breast cancer; hereditary breast carcinoma. Identifiers: Orphanet 227535, MedGen C0346153, MONDO:0016419, OMIM 114480. Disease mechanism: loss of function.
Ataxia-telangiectasia syndrome (AT). Also called: Ataxia-telangiectasia, complementation group D; LOUIS-BAR SYNDROME; ATAXIA-TELANGIECTASIA, COMPLEMENTATION GROUP A; ATAXIA-TELANGIECTASIA, FRESNO VARIANT; Ataxia telangiectasia (A-T); Cerebello-oculocutaneous telangiectasia. Identifiers: Orphanet 100, MedGen C0004135, MONDO:0008840, OMIM 208900.

Submissions (2):

Labcorp Genetics (formerly Invitae), Labcorp
Classification: Likely benign for Ataxia-telangiectasia syndrome. Last evaluated: 2025-01-27. Review status: criteria provided, single submitter. Criteria: Invitae Variant Classification Sherloc (09022015). Collection method: clinical testing. Allele origin: germline.

Myriad Genetics, Inc.
Classification: Benign for Familial cancer of breast. Last evaluated: 2024-05-02. Review status: criteria provided, single submitter. Criteria: Myriad Autosomal Dominant, Autosomal Recessive and X-Linked Classification Criteria (2023). Collection method: clinical testing. Allele origin: unknown.
Comment: This variant is considered benign. This variant is a silent/synonymous amino acid change and it is not expected to impact splicing.

NM_000051.4(ATM):c.1995T>A (p.Ile665=)

Gene: ATM (ATM serine/threonine kinase; plus strand). Cytogenetic location: 11q22.3.
Variant type: single nucleotide variant.
Coding change: c.1995T>A on transcript NM_000051.4 (MANE Select); coding-DNA position 1995, T replaced by A.
Protein change: p.Ile665=; no amino-acid change (isoleucine 665 retained).
Molecular consequence: synonymous variant.
Genome position (GRCh38, 1-based): chr11:108,253,910, T>A. VCF-style: chr11-108253910-T-A. GRCh37 (hg19) VCF-style: chr11-108124637-T-A.
Other names: c.1995T>A, p.Ile665= (NM_001351834.2).
Identifiers: ClinVar variation 2771864 (VCV002771864.4), dbSNP rs1555073271, ClinGen allele CA476672399.